The following is an entry in ClinVar:

NM_014795.4(ZEB2):c.808-12C>T

Gene: ZEB2 (zinc finger E-box binding homeobox 2; minus strand). Cytogenetic location: 2q22.3.
Variant type: single nucleotide variant.
Coding change: c.808-12C>T on transcript NM_014795.4 (MANE Select); 12 bases into the intron before coding-DNA position 808, C replaced by T.
Molecular consequence: intron variant.
Genome position (GRCh38, 1-based): chr2:144,401,319, G>A on the plus strand (C>T on the coding strand, the complement: ZEB2 is on the minus strand). VCF-style: chr2-144401319-G-A. GRCh37 (hg19) VCF-style: chr2-145158886-G-A.
Other names: c.736-12C>T (NM_001171653.2).
Identifiers: ClinVar variation 1804799 (VCV001804799.1), dbSNP rs2549107911, ClinGen allele CA2580063908.

ClinVar aggregate classification (germline): Uncertain significance (1 of 4 stars; one submission).

gnomAD v4.1: 1 of 1,613,248 alleles (0.000062%); highest among the groups gnomAD compares: Non-Finnish European, 0.000085%; no homozygotes.

Submission:

Women's Health and Genetics/Laboratory Corporation of America, LabCorp
Classification: Uncertain significance. Last evaluated: 2022-11-29. Review status: criteria provided, single submitter. Criteria: LabCorp Variant Classification Summary - May 2015. Collection method: clinical testing. Allele origin: germline.
Comment: Variant summary: ZEB2 c.808-12C>T alters a conserved nucleotide located close to a canonical splice site and therefore could affect mRNA splicing, leading to a significantly altered protein sequence. 4/4 computational tools predict no significant impact on normal splicing. However, these predictions have yet to be confirmed by functional studies. The variant was absent in 251416 control chromosomes. The available data on variant occurrences in the general population are insufficient to allow any conclusion about variant significance. To our knowledge, no occurrence of c.808-12C>T in individuals affected with Mowat-Wilson Syndrome and no experimental evidence demonstrating its impact on protein function have been reported. No clinical diagnostic laboratories have submitted clinical-significance assessments for this variant to ClinVar after 2014. Based on the evidence outlined above, the variant was classified as uncertain significance.